The following is an entry in ClinVar:

ClinVar aggregate classification (germline): Uncertain significance (1 of 4 stars; one submission).

Conditions:
Hereditary spastic paraplegia 11. Also called: Spastic Paraplegia 11; Nakamura Osame syndrome; Autosomal recessive hereditary spastic paraplegia, mental impairment, and thin corpus callosum; SPASTIC PARAPLEGIA, AUTOSOMAL RECESSIVE, COMPLICATED, WITH THIN CORPUS CALLOSUM; SPASTIC PARAPLEGIA, AUTOSOMAL RECESSIVE, WITH MENTAL IMPAIRMENT AND THIN CORPUS CALLOSUM; Spastic paraplegia, mental retardation and thin corpus callosum. Identifiers: Orphanet 2822, MedGen C1858479, MONDO:0011445, OMIM 604360.

Allele frequency attached by ClinVar (database versions not stated): ExAC 0.00001; gnomAD 0.00003; TOPMed 0.00004.

Submission:

Labcorp Genetics (formerly Invitae), Labcorp
Classification: Uncertain significance for Hereditary spastic paraplegia 11. Last evaluated: 2024-04-15. Review status: criteria provided, single submitter. Criteria: Invitae Variant Classification Sherloc (09022015). Collection method: clinical testing. Allele origin: germline.
Comment: This sequence change replaces isoleucine, which is neutral and non-polar, with arginine, which is basic and polar, at codon 971 of the SPG11 protein (p.Ile971Arg). This variant is present in population databases (rs747699586, gnomAD 0.01%). This variant has not been reported in the literature in individuals affected with SPG11-related conditions. Advanced modeling of protein sequence and biophysical properties (such as structural, functional, and spatial information, amino acid conservation, physicochemical variation, residue mobility, and thermodynamic stability) performed at Invitae indicates that this missense variant is not expected to disrupt SPG11 protein function with a negative predictive value of 80%. In summary, the available evidence is currently insufficient to determine the role of this variant in disease. Therefore, it has been classified as a Variant of Uncertain Significance.

NM_025137.4(SPG11):c.2912T>G (p.Ile971Arg)

Gene: SPG11 (SPG11 vesicle trafficking associated, spatacsin; minus strand). Cytogenetic location: 15q21.1.
Variant type: single nucleotide variant.
Coding change: c.2912T>G on transcript NM_025137.4 (MANE Select); coding-DNA position 2912, T replaced by G.
Protein change: p.Ile971Arg; replaces isoleucine 971 with arginine.
Molecular consequence: missense variant.
Genome position (GRCh38, 1-based): chr15:44,615,489, A>C on the plus strand (T>G on the coding strand, the complement: SPG11 is on the minus strand). VCF-style: chr15-44615489-A-C. GRCh37 (hg19) VCF-style: chr15-44907687-A-C.
Other names: c.2912T>G, p.Ile971Arg (NM_001160227.2, NM_001411132.1); short protein forms I971R.
Identifiers: ClinVar variation 2728780 (VCV002728780.3), dbSNP rs747699586, ClinGen allele CA7535106.